The following is an entry in ClinVar:

ClinVar aggregate classification (germline): Uncertain significance (1 of 4 stars; one submission).

gnomAD v4.1: 14 of 1,614,002 alleles (0.00087%); highest among the groups gnomAD compares: Non-Finnish European, 0.0012%; no homozygotes.

Submission:

GeneDx
Classification: Uncertain significance. Last evaluated: 2023-06-13. Review status: criteria provided, single submitter. Criteria: GeneDx Variant Classification Process June 2021. Collection method: clinical testing. Allele origin: germline. Affected: yes.
Comment: Not observed at significant frequency in large population cohorts (gnomAD); In silico analysis supports that this missense variant has a deleterious effect on protein structure/function; Has not been previously published as pathogenic or benign to our knowledge

NM_000496.3(CRYBB2):c.467A>G (p.Tyr156Cys)

Gene: CRYBB2 (crystallin beta B2; plus strand). Cytogenetic location: 22q11.23.
Variant type: single nucleotide variant.
Coding change: c.467A>G on transcript NM_000496.3 (MANE Select); coding-DNA position 467, A replaced by G.
Protein change: p.Tyr156Cys; replaces tyrosine 156 with cysteine.
Molecular consequence: missense variant.
Genome position (GRCh38, 1-based): chr22:25,231,621, A>G. VCF-style: chr22-25231621-A-G. GRCh37 (hg19) VCF-style: chr22-25627588-A-G.
Other names: short protein forms Y156C.
Identifiers: ClinVar variation 3359737 (VCV003359737.1).
Genomic context (GRCh38, chr22:25,231,621, plus strand): 5'-CCTGTCCCCCTCGTTCACCCTCCCATCACCTCTGGCCCTGCAGGTGGGTTGGCTACCAGT[A>G]CCCCGGCTACCGTGGGCTGCAGTACCTGCTGGAGAAGGGAGACTACAAGGACAGCAGCGA-3'
Protein context (NP_000487.1, residues 146-166): VQSGTWVGYQ[Tyr156Cys]PGYRGLQYLL